The following is an entry in ClinVar:

ClinVar aggregate classification (germline): Pathogenic (1 of 4 stars; one submission).

Conditions:
Tuberous sclerosis 2 (TSC2). Identifiers: Orphanet 805, MedGen C1860707, MONDO:0013199, OMIM 613254.

Submission:

Labcorp Genetics (formerly Invitae), Labcorp
Classification: Pathogenic for Tuberous sclerosis 2. Last evaluated: 2022-10-14. Review status: criteria provided, single submitter. Criteria: Invitae Variant Classification Sherloc (09022015). Collection method: clinical testing. Allele origin: germline.
Comment: For these reasons, this variant has been classified as Pathogenic. This variant has not been reported in the literature in individuals affected with TSC2-related conditions. This variant is not present in population databases (gnomAD no frequency). This sequence change creates a premature translational stop signal (p.Asp1652Valfs*21) in the TSC2 gene. It is expected to result in an absent or disrupted protein product. Loss-of-function variants in TSC2 are known to be pathogenic (PMID: 10205261, 17304050).

Literature cited by the submitters: PubMed 10205261; PubMed 17304050.

NM_000548.5(TSC2):c.4954_4955insTT (p.Asp1652fs)

Gene: TSC2 (TSC complex subunit 2; plus strand). Cytogenetic location: 16p13.3.
Variant type: Insertion.
Coding change: c.4954_4955insTT on transcript NM_000548.5 (MANE Select); coding-DNA positions 4954 to 4955, TT inserted.
Protein change: p.Asp1652fs; shifts the reading frame from aspartic acid 1652.
Molecular consequence: frameshift variant.
Genome position: GRCh38 VCF-style: chr16-2086836-G-GTT. GRCh37 (hg19) VCF-style: chr16-2136837-G-GTT.
Other names: c.4294_4295insTT, p.Asp1432Valfs (NM_001406681.1); c.4285_4286insTT, p.Asp1429Valfs (NM_001406682.1, NM_001406683.1); c.4282_4283insTT, p.Asp1428Valfs (NM_001406684.1); c.4156_4157insTT, p.Asp1386Valfs (NM_001406685.1, NM_001406686.1); c.4153_4154insTT, p.Asp1385Valfs (NM_001406687.1, NM_001406688.1); c.3541_3542insTT, p.Asp1181Valfs (NM_001406689.1); c.3481_3482insTT, p.Asp1161Valfs (NM_001406690.1); c.3478_3479insTT, p.Asp1160Valfs (NM_001406691.1); and 26 more; short protein forms D1596fs, D1609fs, D1408fs, D1549fs, D1652fs, D1537fs, D1585fs, D1586fs.
Identifiers: ClinVar variation 2031404 (VCV002031404.4), dbSNP rs2544406616, ClinGen allele CA2580091094.